The following is an entry in ClinVar:

NM_001354269.3(ANK2):c.23C>G (p.Ala8Gly)

Gene: ANK2 (ankyrin 2; plus strand). Cytogenetic location: 4q25.
Variant type: single nucleotide variant.
Coding change: c.23C>G on transcript NM_001354269.3; coding-DNA position 23, C replaced by G.
Protein change: p.Ala8Gly; replaces alanine 8 with glycine.
Molecular consequence: missense variant.
Genome position (GRCh38, 1-based): chr4:112,706,168, C>G. VCF-style: chr4-112706168-C-G. GRCh37 (hg19) VCF-style: chr4-113627324-C-G.
Other names: c.23C>G, p.Ala8Gly (NM_001386148.2, NM_001386186.2, NM_001386187.2); short protein forms A8G.
Identifiers: ClinVar variation 1709629 (VCV001709629.2), dbSNP rs898550275, ClinGen allele CA554087340.

ClinVar aggregate classification (germline): Uncertain significance (1 of 4 stars; one submission).

Conditions:
Cardiac arrhythmia, ankyrin-B-related. Also called: ANKYRIN-B SYNDROME. Identifiers: Orphanet 101016, Orphanet 768, MedGen C1970119, MONDO:0010958, OMIM 600919.

gnomAD v4.1: 3 of 151,688 alleles (0.002%); highest among the groups gnomAD compares: Non-Finnish European, 0.0029%; no homozygotes.

Submission:

MGZ Medical Genetics Center
Classification: Uncertain significance for Cardiac arrhythmia, ankyrin-B-related. Last evaluated: 2021-10-18. Review status: criteria provided, single submitter. Criteria: ACMG Guidelines, 2015. Collection method: clinical testing. Allele origin: germline. Affected: yes. Observed: 1 variant allele.
Comment: ACMG criteria applied: PM2_SUP